The following is an entry in ClinVar:

ClinVar aggregate classification (germline): Uncertain significance (1 of 4 stars; one submission).

Allele frequency attached by ClinVar (database versions not stated): gnomAD exomes 0.00001.
gnomAD v4.1: 3 of 1,526,588 alleles (0.0002%); highest among the groups gnomAD compares: South Asian, 0.0024%; no homozygotes.

Submission:

GeneDx
Classification: Uncertain significance. Last evaluated: 2020-07-20. Review status: criteria provided, single submitter. Criteria: GeneDx Variant Classification Process June 2021. Collection method: clinical testing. Allele origin: germline. Affected: yes.
Comment: Not observed in large population cohorts (Lek et al., 2016); In silico analysis supports that this missense variant does not alter protein structure/function; Has not been previously published as pathogenic or benign to our knowledge

NM_001379200.1(TBX1):c.1453G>A (p.Ala485Thr)

Gene: TBX1 (T-box transcription factor 1; plus strand). Cytogenetic location: 22q11.21.
Variant type: single nucleotide variant.
Coding change: c.1453G>A on transcript NM_001379200.1 (MANE Select); coding-DNA position 1453, G replaced by A.
Protein change: p.Ala485Thr; replaces alanine 485 with threonine.
Molecular consequence: missense variant. On other transcripts: intron variant (2).
Genome position (GRCh38, 1-based): chr22:19,766,805, G>A. VCF-style: chr22-19766805-G-A. GRCh37 (hg19) VCF-style: chr22-19754328-G-A.
Other names: c.1426G>A, p.Ala476Thr (NM_080647.1); c.1009+803G>A (NM_005992.1, NM_080646.2); short protein forms A476T, A485T.
Identifiers: ClinVar variation 1313107 (VCV001313107.2), dbSNP rs2145839630, ClinGen allele CA410685581.